The following is an entry in ClinVar:

NM_007186.6(CEP250):c.7065+4T>C

Gene: CEP250 (centrosomal protein 250; plus strand). Cytogenetic location: 20q11.22.
Variant type: single nucleotide variant.
Coding change: c.7065+4T>C on transcript NM_007186.6 (MANE Select); 4 bases into the intron after coding-DNA position 7065, T replaced by C.
Molecular consequence: intron variant.
Genome position (GRCh38, 1-based): chr20:35,510,058, T>C. VCF-style: chr20-35510058-T-C. GRCh37 (hg19) VCF-style: chr20-34097887-T-C.
Other names: c.5169+4T>C (NM_001318219.1).
Identifiers: ClinVar variation 834137 (VCV000834137.10), dbSNP rs2064311388, ClinGen allele CA916083756.
Genomic context (GRCh38, chr20:35,510,058, plus strand): 5'-GATGGGAGAGGACAGAAGAACTCAGATGCCAAGTGTGTGGCTGAACTGCAGAAAGAGGTA[T>C]GTTCTGGATTTTCTAAGCCCATATTCCCTCCCTTGCACTCAGGCCCTTTGTGCACCTCCA-3'

ClinVar aggregate classification (germline): Conflicting classifications of pathogenicity. Review status: criteria provided, conflicting classifications (1 of 4 stars). 2 submissions from 2 submitters: Uncertain significance (1); Likely benign (1). Last evaluated 2021-10-13.

Allele frequency attached by ClinVar (database versions not stated): gnomAD exomes below 0.00001; TOPMed below 0.00001.
gnomAD v4.1: 6 of 1,612,940 alleles (0.00037%); highest among the groups gnomAD compares: Non-Finnish European, 0.00042%; no homozygotes.

Submissions (2):

Blueprint Genetics
Classification: Likely benign. Last evaluated: 2021-10-13. Review status: criteria provided, single submitter. Criteria: ACMG Guidelines, 2015. Collection method: clinical testing. Allele origin: germline.

Labcorp Genetics (formerly Invitae), Labcorp
Classification: Uncertain significance. Last evaluated: 2019-11-27. Review status: criteria provided, single submitter. Criteria: Invitae Variant Classification Sherloc (09022015). Collection method: clinical testing. Allele origin: germline.
Comment: In summary, the available evidence is currently insufficient to determine the role of this variant in disease. Therefore, it has been classified as a Variant of Uncertain Significance. Nucleotide substitutions within the consensus splice site are a relatively common cause of aberrant splicing (PMID: 17576681, 9536098). Algorithms developed to predict the effect of sequence changes on RNA splicing suggest that this variant is not likely to affect RNA splicing, but this prediction has not been confirmed by published transcriptional studies. This variant has not been reported in the literature in individuals with CEP250-related conditions. This variant is not present in population databases (ExAC no frequency). This sequence change falls in intron 34 of the CEP250 gene. It does not directly change the encoded amino acid sequence of the CEP250 protein, but it affects a nucleotide within the consensus splice site of the intron.

Literature cited by the submitters: PubMed 17576681 (cited by Labcorp Genetics (formerly Invitae), Labcorp); PubMed 9536098 (cited by Labcorp Genetics (formerly Invitae), Labcorp).